The following is an entry in ClinVar:

ClinVar aggregate classification (germline): Likely benign (1 of 4 stars; one submission).

Allele frequency attached by ClinVar (database versions not stated): gnomAD 0.00378 and 0.00407; 1000 Genomes Project 0.00399; 1000 Genomes Project 30x 0.00437; TOPMed 0.00445.
gnomAD v4.1: 812 of 580,964 alleles (0.14%); highest among the groups gnomAD compares: African/African-American, 1.3%; 5 homozygotes.

Submission:

GeneDx
Classification: Likely benign. Last evaluated: 2018-06-14. Review status: criteria provided, single submitter. Criteria: GeneDx Variant Classification (06012015). Collection method: clinical testing. Allele origin: germline. Affected: yes.
Comment: This variant is considered likely benign or benign based on one or more of the following criteria: it is a conservative change, it occurs at a poorly conserved position in the protein, it is predicted to be benign by multiple in silico algorithms, and/or has population frequency not consistent with disease.

NM_000548.5(TSC2):c.1119+233C>T

Gene: TSC2 (TSC complex subunit 2; plus strand). Cytogenetic location: 16p13.3.
Variant type: single nucleotide variant.
Coding change: c.1119+233C>T on transcript NM_000548.5 (MANE Select); 233 bases into the intron after coding-DNA position 1119, C replaced by T.
Molecular consequence: intron variant.
Genome position (GRCh38, 1-based): chr16:2,061,046, C>T. VCF-style: chr16-2061046-C-T. GRCh37 (hg19) VCF-style: chr16-2111047-C-T.
Other names: c.1119+233C>T (NM_001114382.3, NM_021055.3, NM_001370405.1 and 3 more transcripts); c.1008+233C>T (NM_001318827.2); c.519+233C>T (NM_001318831.2); c.972+233C>T (NM_001318829.2); c.1152+233C>T (NM_001318832.2).
Identifiers: ClinVar variation 677388 (VCV000677388.1), dbSNP rs139167052, ClinGen allele CA276776898.